The following is an entry in ClinVar:

ClinVar aggregate classification (germline): Likely benign (0 of 4 stars; one submission).

Conditions:
SLC1A5-related disorder. Also called: SLC1A5-related condition.

Allele frequency attached by ClinVar (database versions not stated): 1000 Genomes Project 30x 0.00094; 1000 Genomes Project 0.00100; gnomAD 0.00185; TOPMed 0.00188; ExAC 0.00204; ESP Exome Variant Server 0.00215.
gnomAD v4.1: 4,241 of 1,613,944 alleles (0.26%); highest among the groups gnomAD compares: Non-Finnish European, 0.31%; 13 homozygotes.

Submissions (2):

PreventionGenetics, part of Exact Sciences
Classification: Likely benign for SLC1A5-related condition. Last evaluated: 2022-03-28. Review status: no assertion criteria provided. Collection method: clinical testing. Allele origin: germline.
Comment: This variant is classified as likely benign based on ACMG/AMP sequence variant interpretation guidelines (Richards et al. 2015 PMID: 25741868, with internal and published modifications).

Dr. Peter K. Rogan Lab, Western University
No classification provided (evidence only). Condition: Sarcoma. Review status: no classification provided. Collection method: in vitro. Allele origin: not applicable. Functional consequence: skipped exon, retained intron. Not counted in ClinVar's aggregate classification.

NM_005628.3(SLC1A5):c.662C>G (p.Pro221Arg)

Gene: SLC1A5 (solute carrier family 1 member 5; minus strand). Cytogenetic location: 19q13.32.
Variant type: single nucleotide variant.
Coding change: c.662C>G on transcript NM_005628.3 (MANE Select); coding-DNA position 662, C replaced by G.
Protein change: p.Pro221Arg; replaces proline 221 with arginine.
Molecular consequence: missense variant. On other transcripts: 5 prime UTR variant (1).
Genome position (GRCh38, 1-based): chr19:46,782,545, G>C on the plus strand (C>G on the coding strand, the complement: SLC1A5 is on the minus strand). VCF-style: chr19-46782545-G-C. GRCh37 (hg19) VCF-style: chr19-47285802-G-C.
Other names: NC_000019.9:g.47285802G>C; c.-23C>G (NM_001145144.2); c.56C>G, p.Pro19Arg (NM_001145145.2); short protein forms P19R, P221R.
Identifiers: ClinVar variation 3041605 (VCV003041605.3), dbSNP rs140908383, ClinGen allele CA9532653.